The following is an entry in ClinVar:

NM_001370.2(DNAH6):c.2907G>A (p.Lys969=)

Gene: DNAH6 (dynein axonemal heavy chain 6; plus strand). Cytogenetic location: 2p11.2.
Variant type: single nucleotide variant.
Coding change: c.2907G>A on transcript NM_001370.2 (MANE Select); coding-DNA position 2907, G replaced by A.
Protein change: p.Lys969=; no amino-acid change (lysine 969 retained).
Molecular consequence: synonymous variant.
Genome position (GRCh38, 1-based): chr2:84,604,377, G>A. VCF-style: chr2-84604377-G-A. GRCh37 (hg19) VCF-style: chr2-84831501-G-A.
Identifiers: ClinVar variation 3057488 (VCV003057488.2), dbSNP rs780789642, ClinGen allele CA1737004.
Genomic context (GRCh38, chr2:84,604,377, plus strand): 5'-TCTGAGAGTGTTTGTTTTTCAGCTTCCAGTTATCATTGACTTGAGGAACCCGACTTTGAA[G>A]GCAAGACATTGGGCAGCTATTGAACAAACAGTTGATGCCACTCTAGTGGATGCTGAAATT-3'
Protein context (NP_001361.1, residues 959-979): VIIDLRNPTL[Lys969=]ARHWAAIEQT

ClinVar aggregate classification (germline): Likely benign (0 of 4 stars; one submission).

Conditions:
DNAH6-related disorder. Also called: DNAH6-related condition.

Allele frequency attached by ClinVar (database versions not stated): gnomAD 0.00002; TOPMed 0.00002; gnomAD exomes 0.00003; ExAC 0.00009.
gnomAD v4.1: 52 of 1,552,194 alleles (0.0034%); highest among the groups gnomAD compares: Middle Eastern, 0.067%; no homozygotes.

Submission:

PreventionGenetics, part of Exact Sciences
Classification: Likely benign for DNAH6-related condition. Last evaluated: 2019-03-20. Review status: no assertion criteria provided. Collection method: clinical testing. Allele origin: germline.
Comment: This variant is classified as likely benign based on ACMG/AMP sequence variant interpretation guidelines (Richards et al. 2015 PMID: 25741868, with internal and published modifications).